The following is an entry in ClinVar:

NM_001040142.2(SCN2A):c.4533dup (p.Pro1512fs)

Gene: SCN2A (sodium voltage-gated channel alpha subunit 2; plus strand). Cytogenetic location: 2q24.3.
Variant type: Duplication.
Coding change: c.4533dup on transcript NM_001040142.2 (MANE Select); coding-DNA position 4533, one base duplicated (A; older notation c.4533dupA).
Protein change: p.Pro1512fs; shifts the reading frame from proline 1512.
Molecular consequence: frameshift variant.
Genome position (GRCh38, 1-based): chr2:165,381,179, A duplicated; the last of 5 consecutive A bases (chr2:165,381,175-165,381,179); duplicating any one gives the same sequence. VCF-style (leftmost placement, unchanged base first): chr2-165381174-C-CA. GRCh37 (hg19) VCF-style: chr2-166237684-C-CA.
Other names: c.4533dup, p.Pro1512fs (NM_001040143.2, NM_001371246.1, NM_001371247.1 and 1 more transcripts); short protein forms P1512fs.
Identifiers: ClinVar variation 1073234 (VCV001073234.9), dbSNP rs2105385903, ClinGen allele CA2499215163.

ClinVar aggregate classification (germline): Pathogenic (1 of 4 stars; one submission).

Conditions:
Seizures, benign familial infantile, 3 (BFIS3). Also called: Familial neonatal seizures; CONVULSIONS, BENIGN FAMILIAL INFANTILE, 3. Identifiers: Orphanet 140927, Orphanet 306, MedGen C1843140, MONDO:0011904, OMIM 607745.
Developmental and epileptic encephalopathy, 11 (DEE11). Also called: Early infantile epileptic encephalopathy 11. Identifiers: Orphanet 1934, MedGen C3150987, MONDO:0013388, OMIM 613721.

Submission:

Labcorp Genetics (formerly Invitae), Labcorp
Classification: Pathogenic for Seizures, benign familial infantile, 3; Developmental and epileptic encephalopathy, 11. Last evaluated: 2020-01-10. Review status: criteria provided, single submitter. Criteria: Invitae Variant Classification Sherloc (09022015). Collection method: clinical testing. Allele origin: germline.
Comment: This variant is not present in population databases (ExAC no frequency). This sequence change creates a premature translational stop signal (p.Pro1512Thrfs*7) in the SCN2A gene. It is expected to result in an absent or disrupted protein product. This variant has not been reported in the literature in individuals with SCN2A-related conditions. For these reasons, this variant has been classified as Pathogenic. Loss-of-function variants in SCN2A are known to be pathogenic (PMID: 22495306, 23020937, 24650168).

Literature cited by the submitters: PubMed 22495306; PubMed 23020937; PubMed 24650168.